The following is an entry in ClinVar:

ClinVar aggregate classification (germline): Uncertain significance. Review status: criteria provided, multiple submitters, no conflicts (2 of 4 stars). 3 submissions from 3 submitters: Uncertain significance (3). Last evaluated 2026-05-20.

Conditions:
Hereditary cancer-predisposing syndrome. Also called: Hereditary Cancer Syndrome; Tumor predisposition; Hereditary neoplastic syndrome; Neoplastic Syndromes, Hereditary. Identifiers: Orphanet 140162, MedGen C0027672, MeSH D009386, MONDO:0015356.
Oligodontia-cancer predisposition syndrome. Also called: TOOTH AGENESIS-COLORECTAL CANCER SYNDROME. Identifiers: Orphanet 300576, MedGen C1837750, MONDO:0012075, OMIM 608615. Disease mechanism: loss of function.

Allele frequency attached by ClinVar (database versions not stated): ExAC 0.00001; 1000 Genomes Project 30x 0.00016; gnomAD 0.00001; gnomAD exomes 0.00001; 1000 Genomes Project 0.00020.
gnomAD v4.1: 11 of 1,611,106 alleles (0.00068%); highest among the groups gnomAD compares: South Asian, 0.012%; no homozygotes.

Submissions (3):

Ambry Genetics
Classification: Uncertain significance for Hereditary cancer-predisposing syndrome. Last evaluated: 2026-05-20. Review status: criteria provided, single submitter. Criteria: Ambry Variant Classification Scheme 2023. Collection method: clinical testing. Allele origin: germline.
Comment: The p.S304N variant (also known as c.911G>A), located in coding exon 2 of the AXIN2 gene, results from a G to A substitution at nucleotide position 911. The serine at codon 304 is replaced by asparagine, an amino acid with highly similar properties. This amino acid position is highly conserved in available vertebrate species. In addition, the in silico prediction for this alteration is inconclusive. Based on the available evidence, the clinical significance of this variant remains unclear.

Department of Pathology and Laboratory Medicine, Sinai Health System
Classification: Uncertain significance for oligodontia-cancer predisposition syndrome. Last evaluated: 2025-01-14. Review status: criteria provided, single submitter. Criteria: ACMG Guidelines, 2015. Collection method: clinical testing. Allele origin: germline.

Labcorp Genetics (formerly Invitae), Labcorp
Classification: Uncertain significance for Oligodontia-cancer predisposition syndrome. Last evaluated: 2024-11-25. Review status: criteria provided, single submitter. Criteria: Invitae Variant Classification Sherloc (09022015). Collection method: clinical testing. Allele origin: germline.
Comment: This sequence change replaces serine, which is neutral and polar, with asparagine, which is neutral and polar, at codon 304 of the AXIN2 protein (p.Ser304Asn). This variant is present in population databases (rs577812215, gnomAD 0.007%). This variant has not been reported in the literature in individuals affected with AXIN2-related conditions. ClinVar contains an entry for this variant (Variation ID: 408787). Invitae Evidence Modeling of protein sequence and biophysical properties (such as structural, functional, and spatial information, amino acid conservation, physicochemical variation, residue mobility, and thermodynamic stability) indicates that this missense variant is expected to disrupt AXIN2 protein function with a positive predictive value of 80%. In summary, the available evidence is currently insufficient to determine the role of this variant in disease. Therefore, it has been classified as a Variant of Uncertain Significance.

NM_004655.4(AXIN2):c.911G>A (p.Ser304Asn)

Gene: AXIN2 (axin 2; minus strand). Cytogenetic location: 17q24.1.
Variant type: single nucleotide variant.
Coding change: c.911G>A on transcript NM_004655.4 (MANE Select); coding-DNA position 911, G replaced by A.
Protein change: p.Ser304Asn; replaces serine 304 with asparagine.
Molecular consequence: missense variant.
Genome position (GRCh38, 1-based): chr17:65,549,565, C>T on the plus strand (G>A on the coding strand, the complement: AXIN2 is on the minus strand). VCF-style: chr17-65549565-C-T. GRCh37 (hg19) VCF-style: chr17-63545683-C-T.
Other names: c.911G>A (LRG_296t1); c.911G>A, p.Ser304Asn (NM_001363813.1); short protein forms S304N.
Identifiers: ClinVar variation 408787 (VCV000408787.12), dbSNP rs577812215, ClinGen allele CA8718947.